The following is an entry in ClinVar:

NM_005548.3(KARS1):c.1262A>G (p.Lys421Arg)

Gene: KARS1 (lysyl-tRNA synthetase 1; minus strand). Cytogenetic location: 16q23.1.
Variant type: single nucleotide variant.
Coding change: c.1262A>G on transcript NM_005548.3 (MANE Select); coding-DNA position 1262, A replaced by G.
Protein change: p.Lys421Arg; replaces lysine 421 with arginine.
Molecular consequence: missense variant.
Genome position (GRCh38, 1-based): chr16:75,631,244, T>C on the plus strand (A>G on the coding strand, the complement: KARS1 is on the minus strand). VCF-style: chr16-75631244-T-C. GRCh37 (hg19) VCF-style: chr16-75665142-T-C.
Other names: c.1346A>G, p.Lys449Arg (NM_001130089.2); c.794A>G, p.Lys265Arg (NM_001378148.1); short protein forms K265R, K421R, K449R.
Identifiers: ClinVar variation 1163394 (VCV001163394.8), dbSNP rs554125088, ClinGen allele CA8177328.

ClinVar aggregate classification (germline): Uncertain significance. Review status: criteria provided, multiple submitters, no conflicts (2 of 4 stars). 3 submissions from 3 submitters: Uncertain significance (3). Last evaluated 2025-09-15.

Allele frequency attached by ClinVar (database versions not stated): gnomAD exomes below 0.00001; ExAC 0.00001; TOPMed 0.00002; gnomAD 0.00004 and 0.00006; 1000 Genomes Project 30x 0.00031; 1000 Genomes Project 0.00040.

Submissions (3):

Ambry Genetics
Classification: Uncertain significance. Last evaluated: 2025-09-15. Review status: criteria provided, single submitter. Criteria: Ambry Variant Classification Scheme 2023. Collection method: clinical testing. Allele origin: germline.

Labcorp Genetics (formerly Invitae), Labcorp
Classification: Uncertain significance. Last evaluated: 2022-07-12. Review status: criteria provided, single submitter. Criteria: Invitae Variant Classification Sherloc (09022015). Collection method: clinical testing. Allele origin: germline.
Comment: This sequence change replaces lysine, which is basic and polar, with arginine, which is basic and polar, at codon 449 of the KARS protein (p.Lys449Arg). This variant is present in population databases (rs554125088, gnomAD 0.01%). This variant has not been reported in the literature in individuals affected with KARS-related conditions. ClinVar contains an entry for this variant (Variation ID: 1163394). Algorithms developed to predict the effect of missense changes on protein structure and function output the following: SIFT: "Tolerated"; PolyPhen-2: "Benign"; Align-GVGD: "Class C0". The arginine amino acid residue is found in multiple mammalian species, which suggests that this missense change does not adversely affect protein function. Algorithms developed to predict the effect of sequence changes on RNA splicing suggest that this variant may create or strengthen a splice site. In summary, the available evidence is currently insufficient to determine the role of this variant in disease. Therefore, it has been classified as a Variant of Uncertain Significance.

Mayo Clinic Laboratories, Mayo Clinic
Classification: Uncertain significance. Last evaluated: 2020-12-23. Review status: criteria provided, single submitter. Criteria: ACMG Guidelines, 2015. Collection method: clinical testing. Allele origin: germline. Observed: 2 variant alleles.